The following is an entry in ClinVar:

ClinVar aggregate classification (germline): Conflicting classifications of pathogenicity. Review status: criteria provided, conflicting classifications (1 of 4 stars). 4 submissions from 4 submitters: Uncertain significance (1); Likely benign (3). Last evaluated 2025-10-19.

Conditions:
Muscular dystrophy-dystroglycanopathy (congenital with brain and eye anomalies), type A9. Also called: WALKER-WARBURG SYNDROME OR MUSCLE-EYE BRAIN DISEASE, DAG1-RELATED; Muscular dystrophy-dystroglycanopathy (congenital with brain and eye anomalies), type a, 9. Identifiers: Orphanet 370997, Orphanet 899, MedGen C4225291, MONDO:0014683, OMIM 616538.
Autosomal recessive limb-girdle muscular dystrophy type 2P. Also called: Limb-Girdle Muscular Dystrophy Type 9C; MUSCULAR DYSTROPHY, LIMB-GIRDLE, TYPE 2P; MUSCULAR DYSTROPHY-DYSTROGLYCANOPATHY, LIMB-GIRDLE, DAG1-RELATED. Identifiers: Orphanet 280333, MedGen C4511963, MONDO:0013440, OMIM 613818.

Allele frequency attached by ClinVar (database versions not stated): gnomAD exomes 0.00017; ESP Exome Variant Server 0.00023; gnomAD 0.00015 and 0.00016; TOPMed 0.00015.
gnomAD v4.1: 268 of 1,614,024 alleles (0.017%); highest among the groups gnomAD compares: Non-Finnish European, 0.021%; no homozygotes.

Submissions (4):

Labcorp Genetics (formerly Invitae), Labcorp
Classification: Likely benign for Autosomal recessive limb-girdle muscular dystrophy type 2P; Muscular dystrophy-dystroglycanopathy (congenital with brain and eye anomalies), type A9. Last evaluated: 2025-10-19. Review status: criteria provided, single submitter. Criteria: Invitae Variant Classification Sherloc (09022015). Collection method: clinical testing. Allele origin: germline.

Blueprint Genetics
Classification: Likely benign. Last evaluated: 2023-12-04. Review status: criteria provided, single submitter. Criteria: ACMG Guidelines, 2015. Collection method: clinical testing. Allele origin: germline.

GeneDx
Classification: Likely benign. Last evaluated: 2017-09-28. Review status: criteria provided, single submitter. Criteria: GeneDx Variant Classification (06012015). Collection method: clinical testing. Allele origin: germline. Affected: yes.
Comment: This variant is considered likely benign or benign based on one or more of the following criteria: it is a conservative change, it occurs at a poorly conserved position in the protein, it is predicted to be benign by multiple in silico algorithms, and/or has population frequency not consistent with disease.

Eurofins Ntd Llc (ga)
Classification: Uncertain significance. Last evaluated: 2017-01-24. Review status: criteria provided, single submitter. Criteria: EGL Classification Definitions 2015. Collection method: clinical testing. Allele origin: germline. Observed: 3 variant alleles, 3 heterozygotes.

NM_004393.6(DAG1):c.1719C>T (p.His573=)

Gene: DAG1 (dystroglycan 1; plus strand). Cytogenetic location: 3p21.31.
Variant type: single nucleotide variant.
Coding change: c.1719C>T on transcript NM_004393.6 (MANE Select); coding-DNA position 1719, C replaced by T.
Protein change: p.His573=; no amino-acid change (histidine 573 retained).
Molecular consequence: synonymous variant.
Genome position (GRCh38, 1-based): chr3:49,532,230, C>T. VCF-style: chr3-49532230-C-T. GRCh37 (hg19) VCF-style: chr3-49569663-C-T.
Other names: c.1719C>T, p.His573= (NM_001165928.4, NM_001177634.3, NM_001177635.3 and 9 more transcripts).
Identifiers: ClinVar variation 288831 (VCV000288831.13), dbSNP rs146157416, ClinGen allele CA2399130.
Genomic context (GRCh38, chr3:49,532,230, plus strand): 5'-GTTCAACAGCAACAGCCAGCTCATGTATGGCCTTCCCGACAGCAGCCACGTGGGCAAACA[C>T]GAGTATTTCATGCATGCCACAGACAAGGGGGGCCTGTCGGCTGTGGATGCCTTCGAGATC-3'
Protein context (NP_004384.5, residues 563-583): GLPDSSHVGK[His573=]EYFMHATDKG